The following is an entry in ClinVar:

ClinVar aggregate classification (germline): Uncertain significance. Review status: criteria provided, multiple submitters, no conflicts (2 of 4 stars). 2 submissions from 2 submitters: Uncertain significance (2). Last evaluated 2022-08-31.

Conditions:
Inborn genetic diseases. Identifiers: MedGen C0950123, MeSH D030342.
Kufor-Rakeb syndrome (KRS). Also called: PARKINSON DISEASE 9, AUTOSOMAL RECESSIVE, JUVENILE-ONSET. Identifiers: Orphanet 306674, Orphanet 314632, MedGen C1847640, MONDO:0011706, OMIM 606693.
Autosomal recessive spastic paraplegia type 78. Identifiers: Orphanet 513436, MedGen C5567893, MONDO:0014975, OMIM 617225.

Allele frequency attached by ClinVar (database versions not stated): TOPMed 0.00001; ExAC 0.00002.
gnomAD v4.1: 9 of 1,614,088 alleles (0.00056%); highest among the groups gnomAD compares: Admixed American, 0.0083%; no homozygotes.

Submissions (2):

Labcorp Genetics (formerly Invitae), Labcorp
Classification: Uncertain significance for Kufor-Rakeb syndrome; Autosomal recessive spastic paraplegia type 78. Last evaluated: 2022-08-31. Review status: criteria provided, single submitter. Criteria: Invitae Variant Classification Sherloc (09022015). Collection method: clinical testing. Allele origin: germline.
Comment: This sequence change falls in intron 20 of the ATP13A2 gene. It does not directly change the encoded amino acid sequence of the ATP13A2 protein. It affects a nucleotide within the consensus splice site. This variant is present in population databases (rs763122225, gnomAD 0.009%). This variant has not been reported in the literature in individuals affected with ATP13A2-related conditions. Variants that disrupt the consensus splice site are a relatively common cause of aberrant splicing (PMID: 17576681, 9536098). Algorithms developed to predict the effect of sequence changes on RNA splicing suggest that this variant is not likely to affect RNA splicing. In summary, the available evidence is currently insufficient to determine the role of this variant in disease. Therefore, it has been classified as a Variant of Uncertain Significance.

Ambry Genetics
Classification: Uncertain significance for Inborn genetic diseases. Last evaluated: 2021-11-25. Review status: criteria provided, single submitter. Criteria: Ambry Variant Classification Scheme 2023. Collection method: clinical testing. Allele origin: germline.
Comment: The c.2251+5A>G intronic alteration consists of a A to G substitution 5 nucleotides after exon 20 of the ATP13A2 gene. Based on insufficient or conflicting evidence, the clinical significance of this alteration remains unclear.

Literature cited by the submitters: PubMed 17576681 (cited by Labcorp Genetics (formerly Invitae), Labcorp); PubMed 9536098 (cited by Labcorp Genetics (formerly Invitae), Labcorp).

NM_022089.4(ATP13A2):c.2251+5A>G

Gene: ATP13A2 (ATPase cation transporting 13A2; minus strand). Cytogenetic location: 1p36.13.
Variant type: single nucleotide variant.
Coding change: c.2251+5A>G on transcript NM_022089.4 (MANE Select); 5 bases into the intron after coding-DNA position 2251, A replaced by G.
Molecular consequence: intron variant.
Genome position (GRCh38, 1-based): chr1:16,991,729, T>C on the plus strand (A>G on the coding strand, the complement: ATP13A2 is on the minus strand). VCF-style: chr1-16991729-T-C. GRCh37 (hg19) VCF-style: chr1-17318224-T-C.
Other names: c.2236+5A>G (NM_001141974.3, NM_001141973.3).
Identifiers: ClinVar variation 2083262 (VCV002083262.2), dbSNP rs763122225, ClinGen allele CA636926.